The following is an entry in ClinVar:

ClinVar aggregate classification (germline): Uncertain significance (1 of 4 stars; one submission).

Conditions:
Catecholaminergic polymorphic ventricular tachycardia 1. Also called: VENTRICULAR TACHYCARDIA, CATECHOLAMINERGIC POLYMORPHIC, 1, WITH OR WITHOUT ATRIAL DYSFUNCTION AND/OR DILATED CARDIOMYOPATHY; VENTRICULAR TACHYCARDIA, STRESS-INDUCED POLYMORPHIC 1; RYR2-Related Catecholaminergic Polymorphic Ventricular Tachycardia. Identifiers: Orphanet 3286, MedGen C1631597, MONDO:0011484, OMIM 604772.

Submission:

Labcorp Genetics (formerly Invitae), Labcorp
Classification: Uncertain significance for Catecholaminergic polymorphic ventricular tachycardia 1. Last evaluated: 2020-02-18. Review status: criteria provided, single submitter. Criteria: Invitae Variant Classification Sherloc (09022015). Collection method: clinical testing. Allele origin: germline.
Comment: This sequence change replaces proline with histidine at codon 2159 of the RYR2 protein (p.Pro2159His). The proline residue is highly conserved and there is a moderate physicochemical difference between proline and histidine. This variant is not present in population databases (ExAC no frequency). This variant has not been reported in the literature in individuals with RYR2-related conditions. Algorithms developed to predict the effect of missense changes on protein structure and function are either unavailable or do not agree on the potential impact of this missense change (SIFT: "Deleterious"; PolyPhen-2: "Probably Damaging"; Align-GVGD: "Class C0"). In summary, the available evidence is currently insufficient to determine the role of this variant in disease. Therefore, it has been classified as a Variant of Uncertain Significance.

NM_001035.3(RYR2):c.6476C>A (p.Pro2159His)

Gene: RYR2 (ryanodine receptor 2; plus strand). Cytogenetic location: 1q43.
Variant type: single nucleotide variant.
Coding change: c.6476C>A on transcript NM_001035.3 (MANE Select); coding-DNA position 6476, C replaced by A.
Protein change: p.Pro2159His; replaces proline 2159 with histidine.
Molecular consequence: missense variant.
Genome position (GRCh38, 1-based): chr1:237,631,462, C>A. VCF-style: chr1-237631462-C-A. GRCh37 (hg19) VCF-style: chr1-237794762-C-A.
Other names: short protein forms P2159H.
Identifiers: ClinVar variation 845704 (VCV000845704.11), dbSNP rs1680241596, ClinGen allele CA345412305.
Genomic context (GRCh38, chr1:237,631,462, plus strand): 5'-CCCATACGTCCATTGTCCTTTCTAGGGATATTATGAATAACAAAGTGTTTTACCAGCACC[C>A]TAATCTCATGAGGGCACTGGGGATGCACGAGACTGTGATGGAGGTCATGGTGAACGTCCT-3'
Protein context (NP_001026.2, residues 2149-2169): IMNNKVFYQH[Pro2159His]NLMRALGMHE